The following is an entry in ClinVar:

ClinVar aggregate classification (germline): Pathogenic (1 of 4 stars; one submission).

Conditions:
Landau-Kleffner syndrome (FESD). Also called: APHASIA, ACQUIRED, WITH EPILEPSY; EPILEPSY, FOCAL, WITH SPEECH DISORDER AND WITH OR WITHOUT MENTAL RETARDATION. Identifiers: Orphanet 1945, Orphanet 725, Orphanet 98818, MedGen C0282512, MONDO:0009509, OMIM 245570.

Submission:

Labcorp Genetics (formerly Invitae), Labcorp
Classification: Pathogenic for Landau-Kleffner syndrome. Last evaluated: 2023-07-14. Review status: criteria provided, single submitter. Criteria: Invitae Variant Classification Sherloc (09022015). Collection method: clinical testing. Allele origin: germline.
Comment: For these reasons, this variant has been classified as Pathogenic. This variant disrupts a region of the GRIN2A protein in which other variant(s) (p.Asn1397Glnfs*23) have been determined to be pathogenic (PMID: 25724810). This suggests that this is a clinically significant region of the protein, and that variants that disrupt it are likely to be disease-causing. Algorithms developed to predict the effect of sequence changes on RNA splicing suggest that this variant may create or strengthen a splice site. ClinVar contains an entry for this variant (Variation ID: 863189). This variant has not been reported in the literature in individuals affected with GRIN2A-related conditions. This variant is not present in population databases (gnomAD no frequency). This sequence change creates a premature translational stop signal (p.Val1296Alafs*7) in the GRIN2A gene. While this is not anticipated to result in nonsense mediated decay, it is expected to disrupt the last 169 amino acid(s) of the GRIN2A protein.

Literature cited by the submitters: PubMed 25724810.

NM_001134407.3(GRIN2A):c.3887del (p.Val1296fs)

Gene: GRIN2A (glutamate ionotropic receptor NMDA type subunit 2A; minus strand). Cytogenetic location: 16p13.2.
Variant type: Deletion.
Coding change: c.3887del on transcript NM_001134407.3 (MANE Select); coding-DNA position 3887, one base deleted (T; older notation c.3887delT).
Protein change: p.Val1296fs; shifts the reading frame from valine 1296.
Molecular consequence: frameshift variant. On other transcripts: intron variant (1).
Genome position (GRCh38, 1-based): chr16:9,763,657, A deleted on the plus strand (T on the coding strand, the reverse complement: GRIN2A is on the minus strand). VCF-style (leftmost placement, unchanged base first): chr16-9763656-GA-G. GRCh37 (hg19) VCF-style: chr16-9857513-GA-G.
Other names: c.3887del, p.Val1296fs (NM_000833.5); c.3772+115del (NM_001134408.2); short protein forms V1296fs.
Identifiers: ClinVar variation 863189 (VCV000863189.8), dbSNP rs1900702353, ClinGen allele CA916083484.